The following is an entry in ClinVar:

NM_020732.3:c.6181G>A

Gene: ARID1B (AT-rich interaction domain 1B; plus strand).
Variant type: single nucleotide variant.
Other names: c.6181G>A (NM_020732.3).
Identifiers: ClinVar variation 4086356 (VCV004086356.1).

ClinVar aggregate classification (germline): Uncertain significance (1 of 4 stars; one submission).

Submission:

GeneDx
Classification: Uncertain significance. Last evaluated: 2025-03-18. Review status: criteria provided, single submitter. Criteria: GeneDx Variant Classification Process June 2021. Collection method: clinical testing. Allele origin: germline. Affected: yes.
Comment: Not observed at significant frequency in large population cohorts (gnomAD); In silico analysis supports that this missense variant has a deleterious effect on protein structure/function; Has not been previously published as pathogenic or benign to our knowledge